The following is an entry in ClinVar:

ClinVar aggregate classification (germline): Uncertain significance. Review status: criteria provided, multiple submitters, no conflicts (2 of 4 stars). 2 submissions from 2 submitters: Uncertain significance (2). Last evaluated 2022-08-09.

Conditions:
Inborn genetic diseases. Identifiers: MedGen C0950123, MeSH D030342.
Polyglucosan body myopathy type 1 (PGBM1). Also called: Polyglucosan body myopathy 1 with or without immunodeficiency; POLYGLUCOSAN BODY MYOPATHY WITHOUT IMMUNODEFICIENCY. Identifiers: Orphanet 329173, Orphanet 397937, MedGen C4014605, MONDO:0014389, OMIM 615895.

Allele frequency attached by ClinVar (database versions not stated): TOPMed below 0.00001; ExAC 0.00001; gnomAD 0.00001; gnomAD exomes 0.00001 and 0.00003.
gnomAD v4.1: 7 of 1,613,404 alleles (0.00043%); highest among the groups gnomAD compares: Admixed American, 0.012%; no homozygotes.

Submissions (2):

Labcorp Genetics (formerly Invitae), Labcorp
Classification: Uncertain significance for Polyglucosan body myopathy type 1. Last evaluated: 2022-08-09. Review status: criteria provided, single submitter. Criteria: Invitae Variant Classification Sherloc (09022015). Collection method: clinical testing. Allele origin: germline.
Comment: This sequence change replaces aspartic acid, which is acidic and polar, with histidine, which is basic and polar, at codon 86 of the RBCK1 protein (p.Asp86His). This variant is present in population databases (rs759833242, gnomAD 0.02%). This variant has not been reported in the literature in individuals affected with RBCK1-related conditions. ClinVar contains an entry for this variant (Variation ID: 947152). Algorithms developed to predict the effect of missense changes on protein structure and function are either unavailable or do not agree on the potential impact of this missense change (SIFT: "Not Available"; PolyPhen-2: "Benign"; Align-GVGD: "Not Available"). In summary, the available evidence is currently insufficient to determine the role of this variant in disease. Therefore, it has been classified as a Variant of Uncertain Significance.

Ambry Genetics
Classification: Uncertain significance for Inborn genetic diseases. Last evaluated: 2021-12-08. Review status: criteria provided, single submitter. Criteria: Ambry Variant Classification Scheme 2023. Collection method: clinical testing. Allele origin: germline.

NM_031229.4(RBCK1):c.256G>C (p.Asp86His)

Gene: RBCK1 (RANBP2-type and C3HC4-type zinc finger containing 1; plus strand). Cytogenetic location: 20p13.
Variant type: single nucleotide variant.
Coding change: c.256G>C on transcript NM_031229.4 (MANE Select); coding-DNA position 256, G replaced by C.
Protein change: p.Asp86His; replaces aspartic acid 86 with histidine.
Molecular consequence: missense variant. On other transcripts: 5 prime UTR variant (2), non-coding transcript variant (1).
Genome position (GRCh38, 1-based): chr20:417,614, G>C. VCF-style: chr20-417614-G-C. GRCh37 (hg19) VCF-style: chr20-398258-G-C.
Other names: c.-94G>C (NM_001323956.2, NM_001323958.2); c.130G>C, p.Asp44His (NM_006462.6); c.256G>C (NM_031229.2); short protein forms D86H, D44H.
Identifiers: ClinVar variation 947152 (VCV000947152.7), dbSNP rs759833242, ClinGen allele CA9723012.